The following is an entry in ClinVar:

NM_005633.4(SOS1):c.1549A>C (p.Ile517Leu)

Gene: SOS1 (SOS Ras/Rac guanine nucleotide exchange factor 1; minus strand). Cytogenetic location: 2p22.1.
Variant type: single nucleotide variant.
Coding change: c.1549A>C on transcript NM_005633.4 (MANE Select); coding-DNA position 1549, A replaced by C.
Protein change: p.Ile517Leu; replaces isoleucine 517 with leucine.
Molecular consequence: missense variant.
Genome position (GRCh38, 1-based): chr2:39,022,879, T>G on the plus strand (A>C on the coding strand, the complement: SOS1 is on the minus strand). VCF-style: chr2-39022879-T-G. GRCh37 (hg19) VCF-style: chr2-39250020-T-G.
Other names: c.1549A>C, p.Ile517Leu (NM_001382395.1); c.1528A>C, p.Ile510Leu (NM_001382394.1); short protein forms I510L, I517L.
Identifiers: ClinVar variation 3689806 (VCV003689806.2).
Genomic context (GRCh38, chr2:39,022,879, plus strand): 5'-AATTGTTTTTCTCTTCAGCTGACTTGGCAGAAAATATAACACTATTTTCATCTTTTAAAA[T>G]TATTTCAAAAGCATGCTTGTATTCATTGGTGTCATCTTTATCATTAATTTGTACCTTTCG-3'
Protein context (NP_005624.2, residues 507-527): TNEYKHAFEI[Ile517Leu]LKDENSVIFS

ClinVar aggregate classification (germline): Uncertain significance (1 of 4 stars; one submission).

Conditions:
RASopathy. Also called: Noonan spectrum disorder; rasopathies. Identifiers: Orphanet 536391, MedGen C5555857, MONDO:0021060.

Submission:

Labcorp Genetics (formerly Invitae), Labcorp
Classification: Uncertain significance for RASopathy. Last evaluated: 2024-06-22. Review status: criteria provided, single submitter. Criteria: Invitae Variant Classification Sherloc (09022015). Collection method: clinical testing. Allele origin: germline.
Comment: This sequence change replaces isoleucine, which is neutral and non-polar, with leucine, which is neutral and non-polar, at codon 517 of the SOS1 protein (p.Ile517Leu). This variant is not present in population databases (gnomAD no frequency). This variant has not been reported in the literature in individuals affected with SOS1-related conditions. Advanced modeling of protein sequence and biophysical properties (such as structural, functional, and spatial information, amino acid conservation, physicochemical variation, residue mobility, and thermodynamic stability) performed at Invitae indicates that this missense variant is not expected to disrupt SOS1 protein function with a negative predictive value of 95%. In summary, the available evidence is currently insufficient to determine the role of this variant in disease. Therefore, it has been classified as a Variant of Uncertain Significance.